The following is an entry in ClinVar:

ClinVar aggregate classification (germline): Uncertain significance (1 of 4 stars; one submission).

Conditions:
Inborn genetic diseases. Identifiers: MedGen C0950123, MeSH D030342.

gnomAD v4.1: 22 of 1,614,154 alleles (0.0014%); highest among the groups gnomAD compares: Non-Finnish European, 0.0019%; no homozygotes.

Submission:

Ambry Genetics
Classification: Uncertain significance for Inborn genetic diseases. Last evaluated: 2025-06-15. Review status: criteria provided, single submitter. Criteria: Ambry Variant Classification Scheme 2023. Collection method: clinical testing. Allele origin: germline.
Comment: The p.L1094V variant (also known as c.3280C>G), located in coding exon 13 of the ASXL1 gene, results from a C to G substitution at nucleotide position 3280. The leucine at codon 1094 is replaced by valine, an amino acid with highly similar properties. This amino acid position is conserved. In addition, this alteration is predicted to be tolerated by in silico analysis. Based on the available evidence, the clinical significance of this variant remains unclear.

NM_015338.6(ASXL1):c.3280C>G (p.Leu1094Val)

Gene: ASXL1 (ASXL transcriptional regulator 1; plus strand). Cytogenetic location: 20q11.21.
Variant type: single nucleotide variant.
Coding change: c.3280C>G on transcript NM_015338.6 (MANE Select); coding-DNA position 3280, C replaced by G.
Protein change: p.Leu1094Val; replaces leucine 1094 with valine.
Molecular consequence: missense variant.
Genome position (GRCh38, 1-based): chr20:32,435,992, C>G. VCF-style: chr20-32435992-C-G. GRCh37 (hg19) VCF-style: chr20-31023795-C-G.
Other names: c.3097C>G, p.Leu1033Val (NM_001363734.1); short protein forms L1094V, L1033V.
Identifiers: ClinVar variation 4157664 (VCV004157664.1).
Genomic context (GRCh38, chr20:32,435,992, plus strand): 5'-CAAAAGATCCCAGATTCCCTACTGCTGGCCAGTACTGAGTACCAGCCAAGAGCCGTGTGC[C>G]TGTCCATGCCTGGGTCCTCAGTGGAGGCCACTAACCCACTTGTGATGCAGTTGCTGCAGG-3'
Protein context (NP_056153.2, residues 1084-1104): STEYQPRAVC[Leu1094Val]SMPGSSVEAT